The following is an entry in ClinVar:

NM_000213.5(ITGB4):c.2754C>T (p.Pro918=)

Gene: ITGB4 (integrin subunit beta 4; plus strand). Cytogenetic location: 17q25.1.
Variant type: single nucleotide variant.
Coding change: c.2754C>T on transcript NM_000213.5 (MANE Select); coding-DNA position 2754, C replaced by T.
Protein change: p.Pro918=; no amino-acid change (proline 918 retained).
Molecular consequence: synonymous variant.
Genome position (GRCh38, 1-based): chr17:75,742,461, C>T. VCF-style: chr17-75742461-C-T. GRCh37 (hg19) VCF-style: chr17-73738542-C-T.
Other names: c.2754C>T, p.Pro918= (NM_001005619.2, NM_001005731.3, NM_001321123.2).
Identifiers: ClinVar variation 2862848 (VCV002862848.5), dbSNP rs368406305, ClinGen allele CA8769563.
Genomic context (GRCh38, chr17:75,742,461, plus strand): 5'-GCTGAAGCTTACAGAGAAGCAGGTGGAACAGAGGGCCTTCCACGACCTCAAGGTGGCCCC[C>T]GGCTACTACACCCTCACTGCAGACCAGGGTAGGAGGGCGGGTCCGCTGTGCCACTGCCTC-3'
Protein context (NP_000204.3, residues 908-928): QRAFHDLKVA[Pro918=]GYYTLTADQD

ClinVar aggregate classification (germline): Likely benign. Review status: criteria provided, single submitter (1 of 4 stars). 2 submissions from 2 submitters: Likely benign (1). 1 of the submissions does not count toward it. Last evaluated 2023-09-11.

Conditions:
ITGB4-related disorder. Also called: ITGB4-related condition.

Allele frequency attached by ClinVar (database versions not stated): gnomAD exomes below 0.00001; ExAC 0.00003; gnomAD 0.00003; ESP Exome Variant Server 0.00008.
gnomAD v4.1: 12 of 1,612,968 alleles (0.00074%); highest among the groups gnomAD compares: Middle Eastern, 0.016%; no homozygotes.

Submissions (2):

Labcorp Genetics (formerly Invitae), Labcorp
Classification: Likely benign. Last evaluated: 2023-09-11. Review status: criteria provided, single submitter. Criteria: Invitae Variant Classification Sherloc (09022015). Collection method: clinical testing. Allele origin: germline.

PreventionGenetics, part of Exact Sciences
Classification: Likely benign for ITGB4-related condition. Last evaluated: 2022-12-13. Review status: no assertion criteria provided. Collection method: clinical testing. Allele origin: germline. Not counted in ClinVar's aggregate classification.
Comment: This variant is classified as likely benign based on ACMG/AMP sequence variant interpretation guidelines (Richards et al. 2015 PMID: 25741868, with internal and published modifications).